The following is an entry in ClinVar:

NM_001206927.2(DNAH8):c.13445T>C (p.Met4482Thr)

Gene: DNAH8 (dynein axonemal heavy chain 8; plus strand). Cytogenetic location: 6p21.2.
Variant type: single nucleotide variant.
Coding change: c.13445T>C on transcript NM_001206927.2 (MANE Select); coding-DNA position 13445, T replaced by C.
Protein change: p.Met4482Thr; replaces methionine 4482 with threonine.
Molecular consequence: missense variant.
Genome position (GRCh38, 1-based): chr6:39,012,288, T>C. VCF-style: chr6-39012288-T-C. GRCh37 (hg19) VCF-style: chr6-38980064-T-C.
Other names: c.13445T>C (NM_001206927.1); c.12794T>C, p.Met4265Thr (NM_001371.4); short protein forms M4265T, M4482T.
Identifiers: ClinVar variation 1387295 (VCV001387295.8), dbSNP rs142409299, ClinGen allele CA3791674.

ClinVar aggregate classification (germline): Uncertain significance. Review status: criteria provided, multiple submitters, no conflicts (2 of 4 stars). 3 submissions from 3 submitters: Uncertain significance (3). Last evaluated 2025-10-15.

Conditions:
Primary ciliary dyskinesia. Also called: Ciliary dyskinesia. Identifiers: Orphanet 244, MedGen C0008780, MONDO:0016575, HP:0012265.
DNAH8-related disorder. Also called: DNAH8-related condition.

Allele frequency attached by ClinVar (database versions not stated): gnomAD exomes 0.00003 and 0.00008; ExAC 0.00007; gnomAD 0.00022; ESP Exome Variant Server 0.00023; TOPMed 0.00023.
gnomAD v4.1: 72 of 1,613,122 alleles (0.0045%); highest among the groups gnomAD compares: African/African-American, 0.063%; no homozygotes.

Submissions (3):

Labcorp Genetics (formerly Invitae), Labcorp
Classification: Uncertain significance for Primary ciliary dyskinesia. Last evaluated: 2025-10-15. Review status: criteria provided, single submitter. Criteria: Invitae Variant Classification Sherloc (09022015). Collection method: clinical testing. Allele origin: germline.
Comment: This sequence change replaces methionine, which is neutral and non-polar, with threonine, which is neutral and polar, at codon 4482 of the DNAH8 protein (p.Met4482Thr). This variant is present in population databases (rs142409299, gnomAD 0.07%). This variant has not been reported in the literature in individuals affected with DNAH8-related conditions. ClinVar contains an entry for this variant (Variation ID: 1387295). Invitae Evidence Modeling of protein sequence and biophysical properties (such as structural, functional, and spatial information, amino acid conservation, physicochemical variation, residue mobility, and thermodynamic stability) indicates that this missense variant is not expected to disrupt DNAH8 protein function with a negative predictive value of 80%. In summary, the available evidence is currently insufficient to determine the role of this variant in disease. Therefore, it has been classified as a Variant of Uncertain Significance.

PreventionGenetics, part of Exact Sciences
Classification: Uncertain significance for DNAH8-related condition. Last evaluated: 2025-05-22. Review status: criteria provided, single submitter. Criteria: ACMG Guidelines, 2015. Collection method: clinical testing. Allele origin: germline.
Comment: The DNAH8 c.13445T>C variant is predicted to result in the amino acid substitution p.Met4482Thr. To our knowledge, this variant has not been reported in the literature. This variant is reported in 0.072% of alleles in individuals of African descent in gnomAD. Although we suspect that this variant may be benign, at this time, the clinical significance of this variant is uncertain due to the absence of conclusive functional and genetic evidence.

Ambry Genetics
Classification: Uncertain significance. Last evaluated: 2024-11-12. Review status: criteria provided, single submitter. Criteria: Ambry Variant Classification Scheme 2023. Collection method: clinical testing. Allele origin: germline.